The following is an entry in ClinVar:

ClinVar aggregate classification (germline): Uncertain significance (1 of 4 stars; one submission).

Submission:

GeneDx
Classification: Uncertain significance. Last evaluated: 2025-09-24. Review status: criteria provided, single submitter. Criteria: GeneDx Variant Classification Process June 2021. Collection method: clinical testing. Allele origin: germline. Affected: yes.
Comment: Not observed at significant frequency in large population cohorts (gnomAD); Has not been previously published as pathogenic or benign to our knowledge; Frameshift variant predicted to result in abnormal protein length as the last 184 amino acids are replaced with 22 different amino acids with an unclear effect on protein function

NM_003392.7(WNT5A):c.588_589dup (p.Val197fs)

Gene: WNT5A (Wnt family member 5A; minus strand). Cytogenetic location: 3p14.3.
Variant type: Duplication.
Coding change: c.588_589dup on transcript NM_003392.7 (MANE Select); coding-DNA positions 588 to 589, 2 bases duplicated (CG; older notation c.588_589dupCG).
Protein change: p.Val197fs; shifts the reading frame from valine 197.
Molecular consequence: frameshift variant.
Genome position (GRCh38, 1-based): chr3:55,474,432-55,474,433, CG duplicated on the plus strand (CG on the coding strand, the reverse complement: WNT5A is on the minus strand). VCF-style (leftmost placement, unchanged base first): chr3-55474431-A-ACG. GRCh37 (hg19) VCF-style: chr3-55508459-A-ACG.
Other names: c.543_544dup, p.Val182fs (NM_001256105.1, NM_001377271.1, NM_001377272.1); short protein forms V182fs, V197fs.
Identifiers: ClinVar variation 2443688 (VCV002443688.2), dbSNP rs2471282866, ClinGen allele CA2580070325.
Genomic context (GRCh38, chr3:55,474,431, plus strand): 5'-AGGATGCGAGCACTCTCGTAGGAGCCCTTGGCGTGGATGCGCTCCCGCTCGCGGGCGTCC[A>ACG]CGAACTCCTTGGCAAAGCGGTAGCCATAGTCGATGTTGTCGCCGCAGCCGCCCCAGAGCC-3'